The following is an entry in ClinVar:

ClinVar aggregate classification (germline): Uncertain significance (1 of 4 stars; one submission).

Submission:

Dasa
Classification: Uncertain significance. Last evaluated: 2026-03-29. Review status: criteria provided, single submitter. Criteria: DASA Assertion Criteria. Collection method: clinical testing. Allele origin: germline.
Comment: NM_001036.6(RYR3):c.6913-157C>T is an intronic variant. This variant is rare in population databases. The currently available literature and clinical evidence are not sufficient to establish a definitive association between this variant and the reported condition. Therefore, this variant is classified as a variant of uncertain significance.

NM_001036.6(RYR3):c.6913-157C>T

Gene: RYR3 (ryanodine receptor 3; plus strand). Cytogenetic location: 15q14.
Variant type: single nucleotide variant.
Coding change: c.6913-157C>T on transcript NM_001036.6 (MANE Select); 157 bases into the intron before coding-DNA position 6913, C replaced by T.
Molecular consequence: intron variant.
Genome position (GRCh38, 1-based): chr15:33,726,229, C>T. VCF-style: chr15-33726229-C-T. GRCh37 (hg19) VCF-style: chr15-34018430-C-T.
Other names: c.6913-157C>T (NM_001243996.4).
Identifiers: ClinVar variation 4885863 (VCV004885863.2).